The following is an entry in ClinVar:

ClinVar aggregate classification (germline): Uncertain significance (1 of 4 stars; one submission).

Conditions:
Cardiovascular phenotype. Identifiers: MedGen CN230736.

gnomAD v4.1: 5 of 1,613,020 alleles (0.00031%); highest among the groups gnomAD compares: South Asian, 0.0055%; 1 homozygote.

Submission:

Ambry Genetics
Classification: Uncertain significance for Cardiovascular phenotype. Last evaluated: 2025-01-06. Review status: criteria provided, single submitter. Criteria: Ambry Variant Classification Scheme 2023. Collection method: clinical testing. Allele origin: germline.
Comment: The p.I120V variant (also known as c.358A>G), located in coding exon 2 of the JAG1 gene, results from an A to G substitution at nucleotide position 358. The isoleucine at codon 120 is replaced by valine, an amino acid with highly similar properties. This amino acid position is conserved. In addition, the in silico prediction for this alteration is inconclusive. Based on the available evidence, the clinical significance of this variant remains unclear.

NM_000214.3(JAG1):c.358A>G (p.Ile120Val)

Gene: JAG1 (jagged canonical Notch ligand 1; minus strand). Cytogenetic location: 20p12.2.
Variant type: single nucleotide variant.
Coding change: c.358A>G on transcript NM_000214.3 (MANE Select); coding-DNA position 358, A replaced by G.
Protein change: p.Ile120Val; replaces isoleucine 120 with valine.
Molecular consequence: missense variant.
Genome position (GRCh38, 1-based): chr20:10,672,730, T>C on the plus strand (A>G on the coding strand, the complement: JAG1 is on the minus strand). VCF-style: chr20-10672730-T-C. GRCh37 (hg19) VCF-style: chr20-10653378-T-C.
Other names: short protein forms I120V.
Identifiers: ClinVar variation 3862100 (VCV003862100.1).
Genomic context (GRCh38, chr20:10,672,730, plus strand): 5'-CGCCCGGCCTCCTTCCCGAGTAGTCACTCACCGGCCAGGCGAAACTGAAAGGCAGCACGA[T>C]GCGGTTGCGGTCGTTGCCGCGGCTGGCCTTGAGGTTGAAGGTGTTGCCCCCGATGACAGG-3'
Protein context (NP_000205.1, residues 110-130): KASRGNDRNR[Ile120Val]VLPFSFAWPR